The following is an entry in ClinVar:

NM_198253.3(TERT):c.647T>G (p.Leu216Arg)

Gene: TERT (telomerase reverse transcriptase; minus strand). Cytogenetic location: 5p15.33.
Variant type: single nucleotide variant.
Coding change: c.647T>G on transcript NM_198253.3 (MANE Select); coding-DNA position 647, T replaced by G.
Protein change: p.Leu216Arg; replaces leucine 216 with arginine.
Molecular consequence: missense variant. On other transcripts: non-coding transcript variant (2).
Genome position (GRCh38, 1-based): chr5:1,294,239, A>C on the plus strand (T>G on the coding strand, the complement: TERT is on the minus strand). VCF-style: chr5-1294239-A-C. GRCh37 (hg19) VCF-style: chr5-1294354-A-C.
Other names: c.647T>G, p.Leu216Arg (NM_001193376.3); short protein forms L216R.
Identifiers: ClinVar variation 3455162 (VCV003455162.1).
Genomic context (GRCh38, chr5:1,294,239, plus strand): 5'-TTGGGCAACGGCAGACTTCGGCTGGCACTGCCCCCGCGCCTCCTCGCACCCGGGGCTGGC[A>C]GGCCCAGGGGGACCCCGGCCTCCCTGACGCTATGGTTCCAGGCCCGTTCGCATCCCAGAC-3'
Protein context (NP_937983.2, residues 206-226): SVREAGVPLG[Leu216Arg]PAPGARRRGG

ClinVar aggregate classification (germline): Uncertain significance (1 of 4 stars; one submission).

Conditions:
Dyskeratosis congenita. Identifiers: Orphanet 1775, MedGen C0265965, MONDO:0015780.

gnomAD v4.1: 1 of 1,589,362 alleles (0.000063%); highest among the groups gnomAD compares: Non-Finnish European, 0.000085%; no homozygotes.

Submission:

Ambry Genetics
Classification: Uncertain significance for Dyskeratosis congenita. Last evaluated: 2024-07-18. Review status: criteria provided, single submitter. Criteria: Ambry Variant Classification Scheme 2023. Collection method: clinical testing. Allele origin: germline.
Comment: The p.L216R variant (also known as c.647T>G), located in coding exon 2 of the TERT gene, results from a T to G substitution at nucleotide position 647. The leucine at codon 216 is replaced by arginine, an amino acid with dissimilar properties. This amino acid position is conserved. In addition, this alteration is predicted to be tolerated by in silico analysis. Based on the available evidence, the clinical significance of this variant remains unclear.